The following is an entry in ClinVar:

ClinVar aggregate classification (germline): Uncertain significance (1 of 4 stars; one submission).

gnomAD v4.1: 1 of 1,613,570 alleles (0.000062%); highest among the groups gnomAD compares: Non-Finnish European, 0.000085%; no homozygotes.

Submission:

CeGaT Center for Human Genetics Tuebingen
Classification: Uncertain significance. Last evaluated: 2025-07-01. Review status: criteria provided, single submitter. Criteria: CeGaT Center For Human Genetics Tuebingen Variant Classification Criteria Version 2. Collection method: clinical testing. Allele origin: germline. Affected: yes. Observed: 1 variant allele.
Comment: ALMS1: PM2:Supporting, BP4

NM_001378454.1(ALMS1):c.4702T>C (p.Ser1568Pro)

Gene: ALMS1 (ALMS1 centrosome and basal body associated protein; plus strand). Cytogenetic location: 2p13.1.
Variant type: single nucleotide variant.
Coding change: c.4702T>C on transcript NM_001378454.1 (MANE Select); coding-DNA position 4702, T replaced by C.
Protein change: p.Ser1568Pro; replaces serine 1568 with proline.
Molecular consequence: missense variant.
Genome position (GRCh38, 1-based): chr2:73,451,229, T>C. VCF-style: chr2-73451229-T-C. GRCh37 (hg19) VCF-style: chr2-73678356-T-C.
Other names: c.4705T>C, p.Ser1569Pro (NM_015120.4); short protein forms S1568P, S1569P.
Identifiers: ClinVar variation 4085298 (VCV004085298.8).